The following is an entry in ClinVar:

ClinVar aggregate classification (germline): Uncertain significance. Review status: criteria provided, multiple submitters, no conflicts (2 of 4 stars). 4 submissions from 4 submitters: Uncertain significance (4). Last evaluated 2025-08-10.

Conditions:
Hereditary cancer-predisposing syndrome. Also called: Tumor predisposition; Neoplastic Syndromes, Hereditary; Hereditary Cancer Syndrome; Hereditary neoplastic syndrome. Identifiers: Orphanet 140162, MedGen C0027672, MeSH D009386, MONDO:0015356.
Ataxia-telangiectasia syndrome (AT). Also called: Ataxia-telangiectasia; LOUIS-BAR SYNDROME; Ataxia-telangiectasia, complementation group D; AT, COMPLEMENTATION GROUP C; ATAXIA-TELANGIECTASIA, COMPLEMENTATION GROUP A; ATAXIA-TELANGIECTASIA, FRESNO VARIANT. Identifiers: Orphanet 100, MedGen C0004135, MONDO:0008840, OMIM 208900.

Allele frequency attached by ClinVar (database versions not stated): gnomAD exomes below 0.00001.
gnomAD v4.1: 1 of 1,613,084 alleles (0.000062%); highest among the groups gnomAD compares: Admixed American, 0.0017%; no homozygotes.

Submissions (4):

Labcorp Genetics (formerly Invitae), Labcorp
Classification: Uncertain significance for Ataxia-telangiectasia syndrome. Last evaluated: 2025-08-10. Review status: criteria provided, single submitter. Criteria: Invitae Variant Classification Sherloc (09022015). Collection method: clinical testing. Allele origin: germline.
Comment: This sequence change replaces aspartic acid, which is acidic and polar, with tyrosine, which is neutral and polar, at codon 1969 of the ATM protein (p.Asp1969Tyr). This variant is present in population databases (no rsID available, gnomAD 0.003%). This variant has not been reported in the literature in individuals affected with ATM-related conditions. ClinVar contains an entry for this variant (Variation ID: 1380615). Invitae Evidence Modeling of protein sequence and biophysical properties (such as structural, functional, and spatial information, amino acid conservation, physicochemical variation, residue mobility, and thermodynamic stability) indicates that this missense variant is not expected to disrupt ATM protein function with a negative predictive value of 95%. In summary, the available evidence is currently insufficient to determine the role of this variant in disease. Therefore, it has been classified as a Variant of Uncertain Significance.

GeneDx
Classification: Uncertain significance. Last evaluated: 2025-03-31. Review status: criteria provided, single submitter. Criteria: GeneDx Variant Classification Process June 2021. Collection method: clinical testing. Allele origin: germline. Affected: yes.
Comment: Not observed at significant frequency in large population cohorts (gnomAD); In silico analysis indicates that this missense variant does not alter protein structure/function; Has not been previously published as pathogenic or benign to our knowledge

Ambry Genetics
Classification: Uncertain significance for Hereditary cancer-predisposing syndrome. Last evaluated: 2024-12-31. Review status: criteria provided, single submitter. Criteria: Ambry Variant Classification Scheme 2023. Collection method: clinical testing. Allele origin: germline.
Comment: The p.D1969Y variant (also known as c.5905G>T), located in coding exon 38 of the ATM gene, results from a G to T substitution at nucleotide position 5905. The aspartic acid at codon 1969 is replaced by tyrosine, an amino acid with highly dissimilar properties. This amino acid position is conserved. In addition, this alteration is predicted to be tolerated by in silico analysis. Based on the available evidence, the clinical significance of this variant remains unclear.

Quest Diagnostics Nichols Institute San Juan Capistrano
Classification: Uncertain significance. Last evaluated: 2024-05-14. Review status: criteria provided, single submitter. Criteria: Quest Diagnostics criteria. Collection method: clinical testing. Allele origin: unknown.

NM_000051.4(ATM):c.5905G>T (p.Asp1969Tyr)

Genes: ATM (ATM serine/threonine kinase; plus strand), C11orf65 (chromosome 11 open reading frame 65; minus strand). Cytogenetic location: 11q22.3.
Variant type: single nucleotide variant.
Coding change: c.5905G>T on transcript NM_000051.4 (MANE Select); coding-DNA position 5905, G replaced by T.
Protein change: p.Asp1969Tyr; replaces aspartic acid 1969 with tyrosine.
Molecular consequence: missense variant. On other transcripts: intron variant (2).
Genome position (GRCh38, 1-based): chr11:108,310,302, G>T. VCF-style: chr11-108310302-G-T. GRCh37 (hg19) VCF-style: chr11-108181029-G-T.
Other names: c.5905G>T, p.Asp1969Tyr (NM_001351834.2); c.641-1231C>A (NM_001330368.2); c.*39-1231C>A (NM_001351110.2); short protein forms D1969Y.
Identifiers: ClinVar variation 1380615 (VCV001380615.10), dbSNP rs1156785681, ClinGen allele CA382548583.